The following is an entry in ClinVar:

ClinVar aggregate classification (germline): Uncertain significance (1 of 4 stars; one submission).

Submission:

Labcorp Genetics (formerly Invitae), Labcorp
Classification: Uncertain significance. Last evaluated: 2023-02-10. Review status: criteria provided, single submitter. Criteria: Invitae Variant Classification Sherloc (09022015). Collection method: clinical testing. Allele origin: germline.
Comment: This variant has not been reported in the literature in individuals affected with DNAJB11-related conditions. In summary, the available evidence is currently insufficient to determine the role of this variant in disease. Therefore, it has been classified as a Variant of Uncertain Significance. Advanced modeling of protein sequence and biophysical properties (such as structural, functional, and spatial information, amino acid conservation, physicochemical variation, residue mobility, and thermodynamic stability) performed at Invitae indicates that this missense variant is not expected to disrupt DNAJB11 protein function. This variant is not present in population databases (gnomAD no frequency). This sequence change replaces lysine, which is basic and polar, with asparagine, which is neutral and polar, at codon 291 of the DNAJB11 protein (p.Lys291Asn).

NM_016306.6(DNAJB11):c.873G>C (p.Lys291Asn)

Gene: DNAJB11 (DnaJ heat shock protein family (Hsp40) member B11; plus strand). Cytogenetic location: 3q27.3.
Variant type: single nucleotide variant.
Coding change: c.873G>C on transcript NM_016306.6 (MANE Select); coding-DNA position 873, G replaced by C.
Protein change: p.Lys291Asn; replaces lysine 291 with asparagine.
Molecular consequence: missense variant. On other transcripts: non-coding transcript variant (6).
Genome position (GRCh38, 1-based): chr3:186,584,450, G>C. VCF-style: chr3-186584450-G-C. GRCh37 (hg19) VCF-style: chr3-186302239-G-C.
Other names: c.597G>C, p.Lys199Asn (NM_001378451.1); short protein forms K199N, K291N.
Identifiers: ClinVar variation 2835874 (VCV002835874.3), dbSNP rs1015823284, ClinGen allele CA355716437.